The following is an entry in ClinVar:

ClinVar aggregate classification (germline): Uncertain significance. Review status: criteria provided, multiple submitters, no conflicts (2 of 4 stars). 2 submissions from 2 submitters: Uncertain significance (2). Last evaluated 2025-01-30.

Conditions:
Inborn genetic diseases. Identifiers: MedGen C0950123, MeSH D030342.

Allele frequency attached by ClinVar (database versions not stated): ExAC 0.00001; gnomAD exomes 0.00001.
gnomAD v4.1: 7 of 1,613,518 alleles (0.00043%); highest among the groups gnomAD compares: Admixed American, 0.01%; no homozygotes.

Submissions (2):

Ambry Genetics
Classification: Uncertain significance for Inborn genetic diseases. Last evaluated: 2025-01-30. Review status: criteria provided, single submitter. Criteria: Ambry Variant Classification Scheme 2023. Collection method: clinical testing. Allele origin: germline.

Labcorp Genetics (formerly Invitae), Labcorp
Classification: Uncertain significance. Last evaluated: 2022-08-17. Review status: criteria provided, single submitter. Criteria: Invitae Variant Classification Sherloc (09022015). Collection method: clinical testing. Allele origin: germline.
Comment: In summary, the available evidence is currently insufficient to determine the role of this variant in disease. Therefore, it has been classified as a Variant of Uncertain Significance. This sequence change replaces isoleucine, which is neutral and non-polar, with valine, which is neutral and non-polar, at codon 47 of the EXOSC9 protein (p.Ile47Val). This variant is present in population databases (rs367640449, gnomAD 0.01%). This variant has not been reported in the literature in individuals affected with EXOSC9-related conditions. Algorithms developed to predict the effect of missense changes on protein structure and function output the following: SIFT: "Tolerated"; PolyPhen-2: "Benign"; Align-GVGD: "Class C0". The valine amino acid residue is found in multiple mammalian species, which suggests that this missense change does not adversely affect protein function.

NM_005033.3(EXOSC9):c.139A>G (p.Ile47Val)

Gene: EXOSC9 (exosome component 9; plus strand). Cytogenetic location: 4q27.
Variant type: single nucleotide variant.
Coding change: c.139A>G on transcript NM_005033.3 (MANE Select); coding-DNA position 139, A replaced by G.
Protein change: p.Ile47Val; replaces isoleucine 47 with valine.
Molecular consequence: missense variant.
Genome position (GRCh38, 1-based): chr4:121,801,899, A>G. VCF-style: chr4-121801899-A-G. GRCh37 (hg19) VCF-style: chr4-122723054-A-G.
Other names: c.139A>G, p.Ile47Val (NM_001034194.2); c.139A>G (NM_001034194.1); short protein forms I47V.
Identifiers: ClinVar variation 1947664 (VCV001947664.5), dbSNP rs367640449, ClinGen allele CA3063290.